The following is an entry in ClinVar:

ClinVar aggregate classification (germline): Uncertain significance. Review status: criteria provided, multiple submitters, no conflicts (2 of 4 stars). 7 submissions from 7 submitters: Uncertain significance (7). Last evaluated 2026-08-14.

Conditions:
Meckel-Gruber syndrome. Also called: DYSENCEPHALIA SPLANCHNOCYSTICA; GRUBER SYNDROME; Dysencephalia splachnocystica. Identifiers: Orphanet 564, MedGen C0265215, MONDO:0018921.
Joubert syndrome. Also called: Familial aplasia of the vermis; JOUBERT-BOLTSHAUSER SYNDROME. Identifiers: Orphanet 475, MedGen C5979921, MONDO:0018772.
Bardet-Biedl syndrome 13 (BBS13). Identifiers: Orphanet 110, MedGen C2673873, MONDO:0014441, OMIM 615990.
Joubert syndrome 28 (JBTS28). Identifiers: MedGen C4310705, MONDO:0014928, OMIM 617121.
Meckel syndrome, type 1 (MKS1). Also called: MECKEL-GRUBER SYNDROME, TYPE 1. Identifiers: Orphanet 564, MedGen C3714506, MONDO:0009571, OMIM 249000.
Inborn genetic diseases. Identifiers: MedGen C0950123, MeSH D030342.
MKS1-related disorder. Also called: MKS1-related condition; MKS1-related disorders. Identifiers: MedGen CN239382.

Allele frequency attached by ClinVar (database versions not stated): gnomAD exomes 0.00002 and 0.00004; ExAC 0.00007; gnomAD 0.00017 and 0.00019; TOPMed 0.00022; ESP Exome Variant Server 0.00050.
gnomAD v4.1: 51 of 1,614,090 alleles (0.0032%); highest among the groups gnomAD compares: African/African-American, 0.065%; no homozygotes.

Submissions (7):

PreventionGenetics, part of Exact Sciences
Classification: Uncertain significance for MKS1-related condition. Last evaluated: 2026-08-14. Review status: criteria provided, single submitter. Criteria: ACMG Guidelines, 2015. Collection method: clinical testing. Allele origin: germline.
Comment: The MKS1 c.1363G>C variant is predicted to result in the amino acid substitution p.Glu455Gln. To our knowledge, this variant has not been reported in the literature. This variant is reported in 0.066% of alleles in individuals of African descent in gnomAD. Although we suspect that this variant may be benign, at this time, the clinical significance of this variant is uncertain due to the absence of conclusive functional and genetic evidence.

Blueprint Genetics
Classification: Uncertain significance. Last evaluated: 2024-06-28. Review status: criteria provided, single submitter. Criteria: ACMG Guidelines, 2015. Collection method: clinical testing. Allele origin: germline.

Fulgent Genetics
Classification: Uncertain significance for Meckel syndrome, type 1; Bardet-Biedl syndrome 13; Joubert syndrome 28. Last evaluated: 2024-05-31. Review status: criteria provided, single submitter. Criteria: ACMG Guidelines, 2015. Collection method: clinical testing. Allele origin: germline.

Labcorp Genetics (formerly Invitae), Labcorp
Classification: Uncertain significance for Joubert syndrome; Meckel-Gruber syndrome. Last evaluated: 2022-06-13. Review status: criteria provided, single submitter. Criteria: Invitae Variant Classification Sherloc (09022015). Collection method: clinical testing. Allele origin: germline.
Comment: This sequence change replaces glutamic acid, which is acidic and polar, with glutamine, which is neutral and polar, at codon 455 of the MKS1 protein (p.Glu455Gln). This variant is present in population databases (rs199927741, gnomAD 0.07%). This variant has not been reported in the literature in individuals affected with MKS1-related conditions. ClinVar contains an entry for this variant (Variation ID: 282351). Advanced modeling of protein sequence and biophysical properties (such as structural, functional, and spatial information, amino acid conservation, physicochemical variation, residue mobility, and thermodynamic stability) performed at Invitae indicates that this missense variant is expected to disrupt MKS1 protein function. In summary, the available evidence is currently insufficient to determine the role of this variant in disease. Therefore, it has been classified as a Variant of Uncertain Significance.

GeneDx
Classification: Uncertain significance. Last evaluated: 2021-09-15. Review status: criteria provided, single submitter. Criteria: GeneDx Variant Classification Process June 2021. Collection method: clinical testing. Allele origin: germline. Affected: yes.
Comment: Has not been previously published as pathogenic or benign to our knowledge; In silico analysis supports that this missense variant does not alter protein structure/function

Ambry Genetics
Classification: Uncertain significance for Inborn genetic diseases. Last evaluated: 2021-01-13. Review status: criteria provided, single submitter. Criteria: Ambry Variant Classification Scheme 2023. Collection method: clinical testing. Allele origin: germline.
Comment: The c.1363G>C (p.E455Q) alteration is located in exon 15 (coding exon 15) of the MKS1 gene. This alteration results from a G to C substitution at nucleotide position 1363, causing the glutamic acid (E) at amino acid position 455 to be replaced by a glutamine (Q). The in silico prediction for the p.E455Q alteration is inconclusive. Based on insufficient or conflicting evidence, the clinical significance of this alteration remains unclear.

Eurofins Ntd Llc (ga)
Classification: Uncertain significance. Last evaluated: 2018-04-17. Review status: criteria provided, single submitter. Criteria: EGL ClinVar v180209 classification definitions. Collection method: clinical testing. Allele origin: germline. Observed: 2 variant alleles, 2 heterozygotes.

NM_017777.4(MKS1):c.1363G>C (p.Glu455Gln)

Gene: MKS1 (MKS transition zone complex subunit 1; minus strand). Cytogenetic location: 17q22.
Variant type: single nucleotide variant.
Coding change: c.1363G>C on transcript NM_017777.4 (MANE Select); coding-DNA position 1363, G replaced by C.
Protein change: p.Glu455Gln; replaces glutamic acid 455 with glutamine.
Molecular consequence: missense variant. On other transcripts: intron variant (1).
Genome position (GRCh38, 1-based): chr17:58,207,129, C>G on the plus strand (G>C on the coding strand, the complement: MKS1 is on the minus strand). VCF-style: chr17-58207129-C-G. GRCh37 (hg19) VCF-style: chr17-56284490-C-G.
Other names: c.754G>C, p.Glu252Gln (NM_001321268.2); c.1363G>C, p.Glu455Gln (NM_001321269.2); c.1274-749G>C (NM_001330397.2); short protein forms E455Q, E252Q.
Identifiers: ClinVar variation 282351 (VCV000282351.17), dbSNP rs199927741, ClinGen allele CA8669156.
Genomic context (GRCh38, chr17:58,207,129, plus strand): 5'-CAAAGACAAAAGTCACCTTGAAGGATCCTGGTATCCGTACATAGGAGAGGTCCTCCAGTT[C>G]CAGAGAACCGCCAATGAAAAACCTCCTCAGCTCAGCCACCGTGCCAAGCTCCACAGGTCT-3'
Protein context (NP_060247.2, residues 445-465): LRRFFIGGSL[Glu455Gln]LEDLSYVRIP